The following is an entry in ClinVar:

NM_004525.3(LRP2):c.894A>G (p.Glu298=)

Gene: LRP2 (LDL receptor related protein 2; minus strand). Cytogenetic location: 2q31.1.
Variant type: single nucleotide variant.
Coding change: c.894A>G on transcript NM_004525.3 (MANE Select); coding-DNA position 894, A replaced by G.
Protein change: p.Glu298=; no amino-acid change (glutamic acid 298 retained).
Molecular consequence: synonymous variant.
Genome position (GRCh38, 1-based): chr2:169,290,873, T>C on the plus strand (A>G on the coding strand, the complement: LRP2 is on the minus strand). VCF-style: chr2-169290873-T-C. GRCh37 (hg19) VCF-style: chr2-170147383-T-C.
Identifiers: ClinVar variation 1559250 (VCV001559250.32), dbSNP rs183867145, ClinGen allele CA1955725.

ClinVar aggregate classification (germline): Likely benign. Review status: criteria provided, multiple submitters, no conflicts (2 of 4 stars). 3 submissions from 3 submitters: Likely benign (3). Last evaluated 2026-01-17.

Allele frequency attached by ClinVar (database versions not stated): 1000 Genomes Project 30x 0.00016; 1000 Genomes Project 0.00020.
gnomAD v4.1: 41 of 1,614,174 alleles (0.0025%); highest among the groups gnomAD compares: Admixed American, 0.023%; no homozygotes.

Submissions (3):

Labcorp Genetics (formerly Invitae), Labcorp
Classification: Likely benign. Last evaluated: 2026-01-17. Review status: criteria provided, single submitter. Criteria: Invitae Variant Classification Sherloc (09022015). Collection method: clinical testing. Allele origin: germline.

CeGaT Center for Human Genetics Tuebingen
Classification: Likely benign. Last evaluated: 2023-09-01. Review status: criteria provided, single submitter. Criteria: CeGaT Center For Human Genetics Tuebingen Variant Classification Criteria Version 2. Collection method: clinical testing. Allele origin: germline. Affected: yes. Observed: 1 variant allele.
Comment: LRP2: BP4, BP7

Blueprint Genetics
Classification: Likely benign. Last evaluated: 2022-09-08. Review status: criteria provided, single submitter. Criteria: ACMG Guidelines, 2015. Collection method: clinical testing. Allele origin: germline.